The following is an entry in ClinVar:

NM_001042492.3(NF1):c.2127T>A (p.Cys709Ter)

Gene: NF1 (neurofibromin 1; plus strand). Cytogenetic location: 17q11.2.
Variant type: single nucleotide variant.
Coding change: c.2127T>A on transcript NM_001042492.3 (MANE Select); coding-DNA position 2127, T replaced by A.
Protein change: p.Cys709Ter; replaces cysteine 709 with a stop codon.
Molecular consequence: nonsense.
Genome position (GRCh38, 1-based): chr17:31,226,560, T>A. VCF-style: chr17-31226560-T-A. GRCh37 (hg19) VCF-style: chr17-29553578-T-A.
Other names: c.2127T>A, p.Cys709Ter (NM_000267.4); short protein forms C709*.
Identifiers: ClinVar variation 987204 (VCV000987204.5), dbSNP rs2067018146, ClinGen allele CA398982313.
Genomic context (GRCh38, chr17:31,226,560, plus strand): 5'-GGCCCTGTACATGTTTCTGTGGAACCCTGACACTGAAGCTGTTCTGGTTGCCATGTCCTG[T>A]TTCCGCCACCTCTGTGAGGAAGCAGATATCCGGTGTGGGGTGGATGAAGTGTCAGTGCAT-3'

ClinVar aggregate classification (germline): Pathogenic. Review status: criteria provided, multiple submitters, no conflicts (2 of 4 stars). 2 submissions from 2 submitters: Pathogenic (2). Last evaluated 2023-09-04.

Conditions:
Neurofibromatosis, type 1 (NF1). Also called: NEUROFIBROMATOSIS, TYPE I, SOMATIC; VON RECKLINGHAUSEN DISEASE; Peripheral type neurofibromatosis; Neurofibromatosis, type I. Identifiers: Orphanet 636, MedGen C0027831, MONDO:0018975, OMIM 162200. Disease mechanism: loss of function.

Submissions (2):

Labcorp Genetics (formerly Invitae), Labcorp
Classification: Pathogenic for Neurofibromatosis, type 1. Last evaluated: 2023-09-04. Review status: criteria provided, single submitter. Criteria: Invitae Variant Classification Sherloc (09022015). Collection method: clinical testing. Allele origin: germline.
Comment: This variant has not been reported in the literature in individuals affected with NF1-related conditions. For these reasons, this variant has been classified as Pathogenic. ClinVar contains an entry for this variant (Variation ID: 987204). This variant is not present in population databases (gnomAD no frequency). This sequence change creates a premature translational stop signal (p.Cys709*) in the NF1 gene. It is expected to result in an absent or disrupted protein product. Loss-of-function variants in NF1 are known to be pathogenic (PMID: 10712197, 23913538).

Institute of Medical Genetics and Applied Genomics, University Hospital Tübingen
Classification: Pathogenic. Last evaluated: 2020-10-23. Review status: criteria provided, single submitter. Criteria: ACMG Guidelines, 2015. Collection method: clinical testing. Allele origin: germline. Inheritance: Unknown mechanism. Affected: yes.

Literature cited by the submitters: PubMed 10712197 (cited by Labcorp Genetics (formerly Invitae), Labcorp); PubMed 23913538 (cited by Labcorp Genetics (formerly Invitae), Labcorp).